The following is an entry in ClinVar:

NM_001378778.1(MPDZ):c.2047A>T (p.Ser683Cys)

Gene: MPDZ (multiple PDZ domain crumbs cell polarity complex component; minus strand). Cytogenetic location: 9p23.
Variant type: single nucleotide variant.
Coding change: c.2047A>T on transcript NM_001378778.1 (MANE Select); coding-DNA position 2047, A replaced by T.
Protein change: p.Ser683Cys; replaces serine 683 with cysteine.
Molecular consequence: missense variant.
Genome position (GRCh38, 1-based): chr9:13,190,221, T>A on the plus strand (A>T on the coding strand, the complement: MPDZ is on the minus strand). VCF-style: chr9-13190221-T-A. GRCh37 (hg19) VCF-style: chr9-13190220-T-A.
Other names: c.2047A>T (NM_003829.3); c.2047A>T, p.Ser683Cys (NM_001261406.2, NM_001261407.2, NM_001330637.2 and 14 more transcripts); short protein forms S683C.
Identifiers: ClinVar variation 1396163 (VCV001396163.11), dbSNP rs759487561, ClinGen allele CA4987575.

ClinVar aggregate classification (germline): Uncertain significance. Review status: criteria provided, multiple submitters, no conflicts (2 of 4 stars). 2 submissions from 2 submitters: Uncertain significance (2). Last evaluated 2025-09-02.

Conditions:
Inborn genetic diseases. Identifiers: MedGen C0950123, MeSH D030342.

Allele frequency attached by ClinVar (database versions not stated): ExAC 0.00001; gnomAD exomes 0.00001.
gnomAD v4.1: 73 of 1,612,852 alleles (0.0045%); highest among the groups gnomAD compares: Non-Finnish European, 0.0059%; no homozygotes.

Submissions (2):

Labcorp Genetics (formerly Invitae), Labcorp
Classification: Uncertain significance. Last evaluated: 2025-09-02. Review status: criteria provided, single submitter. Criteria: Invitae Variant Classification Sherloc (09022015). Collection method: clinical testing. Allele origin: germline.
Comment: This sequence change replaces serine, which is neutral and polar, with cysteine, which is neutral and slightly polar, at codon 683 of the MPDZ protein (p.Ser683Cys). This variant is present in population databases (rs759487561, gnomAD 0.003%). This variant has not been reported in the literature in individuals affected with MPDZ-related conditions. ClinVar contains an entry for this variant (Variation ID: 1396163). An algorithm developed to predict the effect of missense changes on protein structure and function (PolyPhen-2) suggests that this variant is likely to be tolerated. In summary, the available evidence is currently insufficient to determine the role of this variant in disease. Therefore, it has been classified as a Variant of Uncertain Significance.

Ambry Genetics
Classification: Uncertain significance for Inborn genetic diseases. Last evaluated: 2022-01-21. Review status: criteria provided, single submitter. Criteria: Ambry Variant Classification Scheme 2023. Collection method: clinical testing. Allele origin: germline.